The following is an entry in ClinVar:

ClinVar aggregate classification (germline): Uncertain significance (1 of 4 stars; one submission).

Conditions:
Inborn genetic diseases. Identifiers: MedGen C0950123, MeSH D030342.

Submission:

Ambry Genetics
Classification: Uncertain significance for Inborn genetic diseases. Last evaluated: 2020-01-08. Review status: criteria provided, single submitter. Criteria: Ambry Variant Classification Scheme 2023. Collection method: clinical testing. Allele origin: germline.
Comment: The p.D1617N variant (also known as c.4849G>A), located in coding exon 19 of the WNK1 gene, results from a G to A substitution at nucleotide position 4849. The aspartic acid at codon 1617 is replaced by asparagine, an amino acid with highly similar properties. This amino acid position is not well conserved in available vertebrate species. In addition, this alteration is predicted to be tolerated by in silico analysis. Since supporting evidence is limited at this time, the clinical significance of this alteration remains unclear.

NM_018979.4(WNK1):c.4093G>A (p.Asp1365Asn)

Gene: WNK1 (WNK lysine deficient protein kinase 1; plus strand). Cytogenetic location: 12p13.33.
Variant type: single nucleotide variant.
Coding change: c.4093G>A on transcript NM_018979.4 (MANE Select); coding-DNA position 4093, G replaced by A.
Protein change: p.Asp1365Asn; replaces aspartic acid 1365 with asparagine.
Molecular consequence: missense variant.
Genome position (GRCh38, 1-based): chr12:884,897, G>A. VCF-style: chr12-884897-G-A. GRCh37 (hg19) VCF-style: chr12-994063-G-A.
Other names: c.4873G>A, p.Asp1625Asn (NM_001184985.2); c.3352G>A, p.Asp1118Asn (NM_014823.3); c.4849G>A, p.Asp1617Asn (NM_213655.5); short protein forms D1617N, D1118N, D1365N, D1625N.
Identifiers: ClinVar variation 1743544 (VCV001743544.2), dbSNP rs1418392646, ClinGen allele CA383330546.
Genomic context (GRCh38, chr12:884,897, plus strand): 5'-GGAGTCCCAACCACAGCAGCAGCCACAGCACCAGTCCCTGCAACAAGCAGCCCTCCTAAT[G>A]ACATTTCCACATCAGTAATTCAGTCTGAGGTTACAGTGCCCACTGAAGAGGGGATTGCTG-3'
Protein context (NP_061852.3, residues 1355-1375): PVPATSSPPN[Asp1365Asn]ISTSVIQSEV